The following is an entry in ClinVar:

NM_000234.3(LIG1):c.1460A>G (p.Lys487Arg)

Gene: LIG1 (DNA ligase 1; minus strand). Cytogenetic location: 19q13.33.
Variant type: single nucleotide variant.
Coding change: c.1460A>G on transcript NM_000234.3 (MANE Select); coding-DNA position 1460, A replaced by G.
Protein change: p.Lys487Arg; replaces lysine 487 with arginine.
Molecular consequence: missense variant. On other transcripts: non-coding transcript variant (6).
Genome position (GRCh38, 1-based): chr19:48,135,743, T>C on the plus strand (A>G on the coding strand, the complement: LIG1 is on the minus strand). VCF-style: chr19-48135743-T-C. GRCh37 (hg19) VCF-style: chr19-48639000-T-C.
Other names: c.1367A>G, p.Lys456Arg (NM_001289063.2); c.1256A>G, p.Lys419Arg (NM_001289064.2); c.1457A>G, p.Lys486Arg (NM_001320970.2); c.1370A>G, p.Lys457Arg (NM_001320971.2); short protein forms K456R, K486R, K419R, K487R, K457R.
Identifiers: ClinVar variation 1948720 (VCV001948720.2), dbSNP rs112555243, ClinGen allele CA9546809.

ClinVar aggregate classification (germline): Uncertain significance (1 of 4 stars; one submission).

Allele frequency attached by ClinVar (database versions not stated): gnomAD exomes below 0.00001; TOPMed below 0.00001; ExAC 0.00001; gnomAD 0.00001.
gnomAD v4.1: 4 of 1,614,086 alleles (0.00025%); highest among the groups gnomAD compares: Non-Finnish European, 0.00025%; no homozygotes.

Submission:

Labcorp Genetics (formerly Invitae), Labcorp
Classification: Uncertain significance. Last evaluated: 2022-09-13. Review status: criteria provided, single submitter. Criteria: Invitae Variant Classification Sherloc (09022015). Collection method: clinical testing. Allele origin: germline.
Comment: This sequence change replaces lysine, which is basic and polar, with arginine, which is basic and polar, at codon 487 of the LIG1 protein (p.Lys487Arg). This variant is present in population databases (rs112555243, gnomAD 0.0009%). This variant has not been reported in the literature in individuals affected with LIG1-related conditions. Algorithms developed to predict the effect of missense changes on protein structure and function output the following: SIFT: "Tolerated"; PolyPhen-2: "Benign"; Align-GVGD: "Class C0". The arginine amino acid residue is found in multiple mammalian species, which suggests that this missense change does not adversely affect protein function. In summary, the available evidence is currently insufficient to determine the role of this variant in disease. Therefore, it has been classified as a Variant of Uncertain Significance.